The following is an entry in ClinVar:

ClinVar aggregate classification (germline): Uncertain significance. Review status: criteria provided, multiple submitters, no conflicts (2 of 4 stars). 3 submissions from 3 submitters: Uncertain significance (3). Last evaluated 2025-01-01.

Conditions:
Bethlem myopathy 1A. Also called: Bethlem myopathy 1; MYOPATHY, BENIGN CONGENITAL, WITH CONTRACTURES; Bethlem Muscular Dystrophy. Identifiers: Orphanet 610, MedGen CN029274, MONDO:0024530, OMIM 158810.
Inborn genetic diseases. Identifiers: MedGen C0950123, MeSH D030342.

gnomAD v4.1: 4 of 1,613,246 alleles (0.00025%); highest among the groups gnomAD compares: Admixed American, 0.0017%; no homozygotes.

Submissions (3):

Ambry Genetics
Classification: Uncertain significance for Inborn genetic diseases. Last evaluated: 2025-01-01. Review status: criteria provided, single submitter. Criteria: Ambry Variant Classification Scheme 2023. Collection method: clinical testing. Allele origin: germline.

Labcorp Genetics (formerly Invitae), Labcorp
Classification: Uncertain significance for Bethlem myopathy 1A. Last evaluated: 2023-12-16. Review status: criteria provided, single submitter. Criteria: Invitae Variant Classification Sherloc (09022015). Collection method: clinical testing. Allele origin: germline.
Comment: This sequence change replaces glutamic acid, which is acidic and polar, with glutamine, which is neutral and polar, at codon 556 of the COL6A2 protein (p.Glu556Gln). This variant is not present in population databases (gnomAD no frequency). This variant has not been reported in the literature in individuals affected with COL6A2-related conditions. ClinVar contains an entry for this variant (Variation ID: 1878703). Advanced modeling of protein sequence and biophysical properties (such as structural, functional, and spatial information, amino acid conservation, physicochemical variation, residue mobility, and thermodynamic stability) performed at Invitae indicates that this missense variant is not expected to disrupt COL6A2 protein function with a negative predictive value of 80%. In summary, the available evidence is currently insufficient to determine the role of this variant in disease. Therefore, it has been classified as a Variant of Uncertain Significance.

GeneDx
Classification: Uncertain significance. Last evaluated: 2022-07-14. Review status: criteria provided, single submitter. Criteria: GeneDx Variant Classification Process June 2021. Collection method: clinical testing. Allele origin: germline. Affected: yes.
Comment: Not observed at significant frequency in large population cohorts (gnomAD); In silico analysis supports that this missense variant does not alter protein structure/function; Has not been previously published as pathogenic or benign to our knowledge

NM_001849.4(COL6A2):c.1666G>C (p.Glu556Gln)

Gene: COL6A2 (collagen type VI alpha 2 chain; plus strand). Cytogenetic location: 21q22.3.
Variant type: single nucleotide variant.
Coding change: c.1666G>C on transcript NM_001849.4 (MANE Select); coding-DNA position 1666, G replaced by C.
Protein change: p.Glu556Gln; replaces glutamic acid 556 with glutamine.
Molecular consequence: missense variant.
Genome position (GRCh38, 1-based): chr21:46,122,932, G>C. VCF-style: chr21-46122932-G-C. GRCh37 (hg19) VCF-style: chr21-47542846-G-C.
Other names: c.1666G>C, p.Glu556Gln (NM_058174.3, NM_058175.3); short protein forms E556Q.
Identifiers: ClinVar variation 1878703 (VCV001878703.5), dbSNP rs368878639, ClinGen allele CA410534903.
Genomic context (GRCh38, chr21:46,122,932, plus strand): 5'-CAGGGAGGCCGAGGCGACTTTGGCTTGAAAGGAGAACCTGGGAGGAAAGGAGAGAAAGGA[G>C]AGCCTGTGAGTGTCACCGTCCCGAAGCCCACAGCAGCTGGGCAGAGGCAGGGAGGGGCCC-3'
Protein context (NP_001840.3, residues 546-566): GEPGRKGEKG[Glu556Gln]PADPGPPGEP